The following is an entry in ClinVar:

ClinVar aggregate classification (germline): Pathogenic. Review status: reviewed by expert panel (3 of 4 stars). 2 submissions from 2 submitters: Pathogenic (1). 1 of the submissions does not count toward it. Last evaluated 2017-12-15.

Conditions:
Breast-ovarian cancer, familial, susceptibility to, 1 (BROVCA1). Also called: OVARIAN CANCER, SUSCEPTIBILITY TO; BRCA1 Hereditary Breast and Ovarian Cancer. Identifiers: Orphanet 145, MedGen C2676676, MONDO:0011450, OMIM 604370. Disease mechanism: loss of function.
Familial cancer of breast. Also called: Hereditary breast cancer; hereditary breast carcinoma; BREAST CANCER, FAMILIAL. Identifiers: Orphanet 227535, MedGen C0346153, MONDO:0016419, OMIM 114480. Disease mechanism: loss of function.

Submissions (2):

Evidence-based Network for the Interpretation of Germline Mutant Alleles (ENIGMA)
Classification: Pathogenic for Breast-ovarian cancer, familial, susceptibility to, 1. Last evaluated: 2017-12-15. Review status: reviewed by expert panel. Criteria: ENIGMA BRCA1/2 Classification Criteria (2017-06-29). Collection method: curation. Allele origin: germline. Study: ENIGMA.
Comment: Variant allele predicted to encode a truncated non-functional protein.

ClinVar Staff, National Center for Biotechnology Information (NCBI)
No classification provided. Condition: Familial cancer of breast. Review status: no classification provided. Collection method: literature only. Allele origin: germline. Affected: yes. Not counted in ClinVar's aggregate classification.

Literature cited by the submitters: PubMed 7493024 (cited by ClinVar Staff, National Center for Biotechnology Information (NCBI)).

NM_007294.4(BRCA1):c.1100dup (p.Thr367_Glu368insTer)

Gene: BRCA1 (BRCA1 DNA repair associated; minus strand). Cytogenetic location: 17q21.31.
Variant type: Duplication.
Coding change: c.1100dup on transcript NM_007294.4 (MANE Select); coding-DNA position 1100, one base duplicated (C; older notation c.1100dupC).
Protein change: p.Thr367_Glu368insTer.
Molecular consequence: frameshift variant. On other transcripts: nonsense (1), intron variant (137).
Genome position (GRCh38, 1-based): chr17:43,094,431, G duplicated on the plus strand (C on the coding strand, the reverse complement: BRCA1 is on the minus strand). VCF-style (leftmost placement, unchanged base first): chr17-43094430-A-AG. GRCh37 (hg19) VCF-style: chr17-41246447-A-AG.
Other names: c.1100dupC (NM_007294.3); c.646+313dup (NM_001408466.1, NM_001408452.1, NM_001408457.1 and 11 more transcripts); c.523+313dup (NM_001408497.1, NM_001408496.1, NM_001408499.1 and 3 more transcripts); c.787+313dup (NM_001407973.1, NM_001408403.1, NM_001407983.1 and 19 more transcripts); c.404-3399dup (NM_001408511.1); c.520+313dup (NM_001408505.1, NM_001408504.1, NM_001408503.1); c.460+1415dup (NM_001408507.1, NM_001408506.1); c.545-3399dup (NM_001408495.1); and 41 more.
Identifiers: ClinVar variation 54127 (VCV000054127.3), dbSNP rs397508836, ClinGen allele CA327718.